The following is an entry in ClinVar:

NM_000535.7(PMS2):c.2560G>C (p.Ala854Pro)

Gene: PMS2 (PMS1 homolog 2, mismatch repair system component; minus strand). Cytogenetic location: 7p22.1.
Variant type: single nucleotide variant.
Coding change: c.2560G>C on transcript NM_000535.7 (MANE Select); coding-DNA position 2560, G replaced by C.
Protein change: p.Ala854Pro; replaces alanine 854 with proline.
Molecular consequence: missense variant. On other transcripts: non-coding transcript variant (1).
Genome position (GRCh38, 1-based): chr7:5,973,428, C>G on the plus strand (G>C on the coding strand, the complement: PMS2 is on the minus strand). VCF-style: chr7-5973428-C-G. GRCh37 (hg19) VCF-style: chr7-6013059-C-G.
Other names: c.2155G>C, p.Ala719Pro (NM_001322003.2, NM_001322004.2, NM_001322005.2); c.2404G>C, p.Ala802Pro (NM_001322006.2); c.2242G>C, p.Ala748Pro (NM_001322007.2, NM_001322008.2); c.2188G>C, p.Ala730Pro (NM_001322009.2); c.1999G>C, p.Ala667Pro (NM_001322010.2); c.1627G>C, p.Ala543Pro (NM_001322011.2, NM_001322012.2); c.1987G>C, p.Ala663Pro (NM_001322013.2); c.2593G>C, p.Ala865Pro (NM_001322014.2); and 1 more; short protein forms A854P, A667P, A730P, A663P, A719P, A802P, A865P, A751P.
Identifiers: ClinVar variation 230492 (VCV000230492.15), dbSNP rs574371474, ClinGen allele CA10578633.

ClinVar aggregate classification (germline): Uncertain significance. Review status: criteria provided, multiple submitters, no conflicts (2 of 4 stars). 4 submissions from 4 submitters: Uncertain significance (4). Last evaluated 2025-10-08.

Conditions:
Hereditary nonpolyposis colorectal neoplasms. Identifiers: MedGen C0009405, MeSH D003123.
Hereditary cancer-predisposing syndrome. Also called: Neoplastic Syndromes, Hereditary; Tumor predisposition; Hereditary Cancer Syndrome; Hereditary neoplastic syndrome. Identifiers: Orphanet 140162, MedGen C0027672, MeSH D009386, MONDO:0015356.
Lynch syndrome 4 (LYNCH4). Also called: Colorectal cancer, hereditary nonpolyposis, type 4; Hereditary non-polyposis colorectal cancer, type 4. Identifiers: Orphanet 144, MedGen C1838333, MONDO:0013699, OMIM 614337. Disease mechanism: loss of function.

Allele frequency attached by ClinVar (database versions not stated): TOPMed below 0.00001.

Submissions (4):

Labcorp Genetics (formerly Invitae), Labcorp
Classification: Uncertain significance for Hereditary nonpolyposis colorectal neoplasms. Last evaluated: 2025-10-08. Review status: criteria provided, single submitter. Criteria: Invitae Variant Classification Sherloc (09022015). Collection method: clinical testing. Allele origin: germline.
Comment: This sequence change replaces alanine, which is neutral and non-polar, with proline, which is neutral and non-polar, at codon 854 of the PMS2 protein (p.Ala854Pro). The frequency data for this variant in the population databases (gnomAD) is considered unreliable due to the presence of homologous sequence, such as pseudogenes or paralogs, in the genome. This missense change has been observed in individual(s) with Lynch syndrome (internal data). ClinVar contains an entry for this variant (Variation ID: 230492). Invitae Evidence Modeling incorporating data from in vitro experimental studies (internal data) indicates that this missense variant is expected to disrupt PMS2 function with a positive predictive value of 95%. In summary, the available evidence is currently insufficient to determine the role of this variant in disease. Therefore, it has been classified as a Variant of Uncertain Significance.

Baylor Genetics
Classification: Uncertain significance for Lynch syndrome 4. Last evaluated: 2024-02-13. Review status: criteria provided, single submitter. Criteria: ACMG Guidelines, 2015. Collection method: clinical testing. Allele origin: unknown.

Ambry Genetics
Classification: Uncertain significance for Hereditary cancer-predisposing syndrome. Last evaluated: 2023-10-19. Review status: criteria provided, single submitter. Criteria: Ambry Variant Classification Scheme 2023. Collection method: clinical testing. Allele origin: germline.
Comment: The p.A854P variant (also known as c.2560G>C), located in coding exon 15 of the PMS2 gene, results from a G to C substitution at nucleotide position 2560. The alanine at codon 854 is replaced by proline, an amino acid with highly similar properties. This amino acid position is well conserved in available vertebrate species. In addition, the in silico prediction for this alteration is inconclusive. Since supporting evidence is limited at this time, the clinical significance of this alteration remains unclear.

GeneDx
Classification: Uncertain significance. Last evaluated: 2023-03-21. Review status: criteria provided, single submitter. Criteria: GeneDx Variant Classification Process June 2021. Collection method: clinical testing. Allele origin: germline. Affected: yes.
Comment: Not observed at significant frequency in large population cohorts (gnomAD); In silico analysis supports that this missense variant has a deleterious effect on protein structure/function; Has not been previously published as pathogenic or benign to our knowledge; This variant is associated with the following publications: (PMID: Fukui2011[Chapter])